The following is an entry in ClinVar:

ClinVar aggregate classification (germline): Benign (1 of 4 stars; one submission).

Conditions:
Familial adenomatous polyposis 1 (FAP1). Also called: POLYPOSIS, ADENOMATOUS INTESTINAL; FAMILIAL ADENOMATOUS POLYPOSIS 1, ATTENUATED. Identifiers: MedGen C2713442, MONDO:0021056, OMIM 175100. Disease mechanism: loss of function.

Submission:

Myriad Genetics, Inc.
Classification: Benign for Familial adenomatous polyposis 1. Last evaluated: 2024-04-10. Review status: criteria provided, single submitter. Criteria: Myriad Autosomal Dominant, Autosomal Recessive and X-Linked Classification Criteria (2023). Collection method: clinical testing. Allele origin: unknown.
Comment: This variant is considered benign. This variant is a silent/synonymous amino acid change and it is not expected to impact splicing.

NM_000038.6(APC):c.7587A>C (p.Ala2529=)

Gene: APC (APC regulator of Wnt signaling pathway; plus strand). Cytogenetic location: 5q22.2.
Variant type: single nucleotide variant.
Coding change: c.7587A>C on transcript NM_000038.6 (MANE Select); coding-DNA position 7587, A replaced by C.
Protein change: p.Ala2529=; no amino-acid change (alanine 2529 retained).
Molecular consequence: synonymous variant. On other transcripts: non-coding transcript variant (2).
Genome position (GRCh38, 1-based): chr5:112,843,181, A>C. VCF-style: chr5-112843181-A-C. GRCh37 (hg19) VCF-style: chr5-112178878-A-C.
Other names: c.7587A>C, p.Ala2529= (NM_001127510.3, NM_001354895.2, NM_001407450.1); c.7533A>C, p.Ala2511= (NM_001127511.3); c.7641A>C, p.Ala2547= (NM_001354896.2, NM_001407447.1, NM_001407448.1 and 1 more transcripts); c.7617A>C, p.Ala2539= (NM_001354897.2); c.7512A>C, p.Ala2504= (NM_001354898.2); c.7503A>C, p.Ala2501= (NM_001354899.2); c.7464A>C, p.Ala2488= (NM_001354900.2); c.7410A>C, p.Ala2470= (NM_001354901.2, NM_001407453.1); and 11 more.
Identifiers: ClinVar variation 3253918 (VCV003253918.1), dbSNP rs2149990140.